The following is an entry in ClinVar:

NM_213607.3(DNAAF19):c.328C>T (p.Arg110Ter)

Gene: DNAAF19 (dynein axonemal assembly factor 19; plus strand). Cytogenetic location: 17q21.31.
Variant type: single nucleotide variant.
Coding change: c.328C>T on transcript NM_213607.3 (MANE Select); coding-DNA position 328, C replaced by T.
Protein change: p.Arg110Ter; replaces arginine 110 with a stop codon.
Molecular consequence: nonsense. On other transcripts: 3 prime UTR variant (3).
Genome position (GRCh38, 1-based): chr17:44,902,416, C>T. VCF-style: chr17-44902416-C-T. GRCh37 (hg19) VCF-style: chr17-42979784-C-T.
Other names: c.328C>T, p.Arg110Ter (NM_001258395.2, NM_001258396.2); c.*78C>T (NM_001258397.3); c.*17C>T (NM_001258398.3, NM_001258399.2); short protein forms R110*.
Identifiers: ClinVar variation 1434000 (VCV001434000.6), dbSNP rs147738533, ClinGen allele CA8608351.

ClinVar aggregate classification (germline): Pathogenic. Review status: criteria provided, multiple submitters, no conflicts (2 of 4 stars). 2 submissions from 2 submitters: Pathogenic (2). Last evaluated 2025-09-10.

Conditions:
Diarrhea 12, with microvillus atrophy. Also called: MICROVILLUS INCLUSION DISEASE 2. Identifiers: MedGen C5561942, MONDO:0030335, OMIM 619445.
Primary ciliary dyskinesia. Also called: Ciliary dyskinesia. Identifiers: Orphanet 244, MedGen C0008780, MONDO:0016575, HP:0012265.

Allele frequency attached by ClinVar (database versions not stated): gnomAD exomes below 0.00001 and 0.00002; ExAC 0.00002; TOPMed 0.00002; gnomAD 0.00003; ESP Exome Variant Server 0.00008.
gnomAD v4.1: 11 of 1,614,098 alleles (0.00068%); highest among the groups gnomAD compares: African/African-American, 0.0053%; no homozygotes.

Submissions (2):

Genomic Medicine Center of Excellence, King Faisal Specialist Hospital and Research Centre
Classification: Pathogenic for Diarrhea 12, with microvillus atrophy. Last evaluated: 2025-09-10. Review status: criteria provided, single submitter. Criteria: ACMG Guidelines, 2015. Collection method: clinical testing. Allele origin: germline.

Labcorp Genetics (formerly Invitae), Labcorp
Classification: Pathogenic for Primary ciliary dyskinesia. Last evaluated: 2024-02-10. Review status: criteria provided, single submitter. Criteria: Invitae Variant Classification Sherloc (09022015). Collection method: clinical testing. Allele origin: germline.
Comment: This sequence change creates a premature translational stop signal (p.Arg110*) in the CCDC103 gene. While this is not anticipated to result in nonsense mediated decay, it is expected to disrupt the last 133 amino acid(s) of the CCDC103 protein. This variant is present in population databases (rs147738533, gnomAD 0.01%). This variant has not been reported in the literature in individuals affected with CCDC103-related conditions. ClinVar contains an entry for this variant (Variation ID: 1434000). This variant disrupts a region of the CCDC103 protein in which other variant(s) (p.Ser190Argfs*19) have been determined to be pathogenic (Invitae). This suggests that this is a clinically significant region of the protein, and that variants that disrupt it are likely to be disease-causing. For these reasons, this variant has been classified as Pathogenic.